The following is an entry in ClinVar:

ClinVar aggregate classification (germline): Uncertain significance (1 of 4 stars; one submission).

Conditions:
Hypertrophic cardiomyopathy 14. Identifiers: MedGen C2750467, MONDO:0013197, OMIM 613251.

Submission:

Labcorp Genetics (formerly Invitae), Labcorp
Classification: Uncertain significance for Hypertrophic cardiomyopathy 14. Last evaluated: 2022-10-12. Review status: criteria provided, single submitter. Criteria: Invitae Variant Classification Sherloc (09022015). Collection method: clinical testing. Allele origin: germline.
Comment: Advanced modeling of protein sequence and biophysical properties (such as structural, functional, and spatial information, amino acid conservation, physicochemical variation, residue mobility, and thermodynamic stability) performed at Invitae indicates that this missense variant is expected to disrupt MYH6 protein function. This variant has not been reported in the literature in individuals affected with MYH6-related conditions. This variant is not present in population databases (gnomAD no frequency). This sequence change replaces alanine, which is neutral and non-polar, with aspartic acid, which is acidic and polar, at codon 1753 of the MYH6 protein (p.Ala1753Asp). In summary, the available evidence is currently insufficient to determine the role of this variant in disease. Therefore, it has been classified as a Variant of Uncertain Significance.

NM_002471.4(MYH6):c.5258C>A (p.Ala1753Asp)

Gene: MYH6 (myosin heavy chain 6; minus strand). Cytogenetic location: 14q11.2.
Variant type: single nucleotide variant.
Coding change: c.5258C>A on transcript NM_002471.4 (MANE Select); coding-DNA position 5258, C replaced by A.
Protein change: p.Ala1753Asp; replaces alanine 1753 with aspartic acid.
Molecular consequence: missense variant.
Genome position (GRCh38, 1-based): chr14:23,384,947, G>T on the plus strand (C>A on the coding strand, the complement: MYH6 is on the minus strand). VCF-style: chr14-23384947-G-T. GRCh37 (hg19) VCF-style: chr14-23854156-G-T.
Other names: short protein forms A1753D.
Identifiers: ClinVar variation 1719880 (VCV001719880.5), dbSNP rs2502138413, ClinGen allele CA388987823.